The following is an entry in ClinVar:

ClinVar aggregate classification (germline): Uncertain significance. Review status: criteria provided, multiple submitters, no conflicts (2 of 4 stars). 2 submissions from 2 submitters: Uncertain significance (2). Last evaluated 2022-04-09.

Conditions:
KBG syndrome (KBGS). Also called: ANKRD11-Related KBG Syndrome. Identifiers: Orphanet 2332, MedGen C0220687, MONDO:0007846, OMIM 148050.

Submissions (2):

Labcorp Genetics (formerly Invitae), Labcorp
Classification: Uncertain significance for KBG syndrome. Last evaluated: 2022-04-09. Review status: criteria provided, single submitter. Criteria: Invitae Variant Classification Sherloc (09022015). Collection method: clinical testing. Allele origin: germline.
Comment: This variant, c.4864_4866del, results in the deletion of 1 amino acid(s) of the ANKRD11 protein (p.Glu1622del), but otherwise preserves the integrity of the reading frame. This variant is not present in population databases (gnomAD no frequency). This variant has not been reported in the literature in individuals affected with ANKRD11-related conditions. Experimental studies and prediction algorithms are not available or were not evaluated, and the functional significance of this variant is currently unknown. In summary, the available evidence is currently insufficient to determine the role of this variant in disease. Therefore, it has been classified as a Variant of Uncertain Significance.

Dr. med. U. Finckh, Human Genetics, Eurofins MVZ
Classification: Uncertain significance for KBG syndrome. Last evaluated: 2021-06-24. Review status: criteria provided, single submitter. Criteria: ACMG Guidelines, 2015. Collection method: clinical testing. Allele origin: unknown. Observed: 1 heterozygote.

NM_013275.6(ANKRD11):c.4864_4866del (p.Glu1622del)

Gene: ANKRD11 (ankyrin repeat domain 11; minus strand). Cytogenetic location: 16q24.3.
Variant type: Deletion.
Coding change: c.4864_4866del on transcript NM_013275.6 (MANE Select); coding-DNA positions 4864 to 4866, 3 bases deleted (GAG; older notation c.4864_4866delGAG).
Protein change: p.Glu1622del; deletes glutamic acid 1622.
Molecular consequence: inframe deletion.
Genome position (GRCh38, 1-based): chr16:89,281,676-89,281,678, CTC deleted on the plus strand (GAG on the coding strand, the reverse complement: ANKRD11 is on the minus strand); deleting any 3 consecutive bases within chr16:89,281,676-89,281,680 gives the same sequence; the c. name uses the placement nearest the transcript's 3' end. VCF-style (leftmost placement, unchanged base first): chr16-89281675-TCTC-T. GRCh37 (hg19) VCF-style: chr16-89348083-TCTC-T.
Other names: c.4864_4866del, p.Glu1622del (NM_001256182.2, NM_001256183.2); short protein forms E1622del.
Identifiers: ClinVar variation 2123560 (VCV002123560.5), dbSNP rs2544230827, ClinGen allele CA2576097405.